The following is an entry in ClinVar:

NM_003265.3(TLR3):c.2543T>C (p.Ile848Thr)

Gene: TLR3 (toll like receptor 3; plus strand). Cytogenetic location: 4q35.1.
Variant type: single nucleotide variant.
Coding change: c.2543T>C on transcript NM_003265.3 (MANE Select); coding-DNA position 2543, T replaced by C.
Protein change: p.Ile848Thr; replaces isoleucine 848 with threonine.
Molecular consequence: missense variant.
Genome position (GRCh38, 1-based): chr4:186,084,701, T>C. VCF-style: chr4-186084701-T-C. GRCh37 (hg19) VCF-style: chr4-187005855-T-C.
Other names: short protein forms I848T.
Identifiers: ClinVar variation 2167669 (VCV002167669.4), dbSNP rs1396484974, ClinGen allele CA358937720.
Genomic context (GRCh38, chr4:186,084,701, plus strand): 5'-TTAGATTCAAGGTACATCATGCAGTTCAACAAGCTATTGAACAAAATCTGGATTCCATTA[T>C]ATTGGTTTTCCTTGAGGAGATTCCAGATTATAAACTGAACCATGCACTCTGTTTGCGAAG-3'
Protein context (NP_003256.1, residues 838-858): QAIEQNLDSI[Ile848Thr]LVFLEEIPDY

ClinVar aggregate classification (germline): Uncertain significance (1 of 4 stars; one submission).

Conditions:
Encephalopathy, acute, infection-induced (herpes-specific), susceptibility to, 1. Also called: Herpes simplex encephalitis, susceptibility to, 1. Identifiers: Orphanet 1930, MedGen C2750180, MONDO:0024563, OMIM 610551.

Allele frequency attached by ClinVar (database versions not stated): gnomAD exomes 0.00001.
gnomAD v4.1: 6 of 1,614,036 alleles (0.00037%); highest among the groups gnomAD compares: East Asian, 0.0022%; no homozygotes.

Submission:

Labcorp Genetics (formerly Invitae), Labcorp
Classification: Uncertain significance for Encephalopathy, acute, infection-induced (herpes-specific), susceptibility to, 1. Last evaluated: 2022-04-16. Review status: criteria provided, single submitter. Criteria: Invitae Variant Classification Sherloc (09022015). Collection method: clinical testing. Allele origin: germline.
Comment: This variant has not been reported in the literature in individuals affected with TLR3-related conditions. In summary, the available evidence is currently insufficient to determine the role of this variant in disease. Therefore, it has been classified as a Variant of Uncertain Significance. Algorithms developed to predict the effect of missense changes on protein structure and function (SIFT, PolyPhen-2, Align-GVGD) all suggest that this variant is likely to be disruptive. This variant is present in population databases (no rsID available, gnomAD 0.003%). This sequence change replaces isoleucine, which is neutral and non-polar, with threonine, which is neutral and polar, at codon 848 of the TLR3 protein (p.Ile848Thr).